The following is an entry in ClinVar:

NM_025137.4(SPG11):c.5844del (p.Pro1949_Leu1950insTer)

Gene: SPG11 (SPG11 vesicle trafficking associated, spatacsin; minus strand). Cytogenetic location: 15q21.1.
Variant type: Deletion.
Coding change: c.5844del on transcript NM_025137.4 (MANE Select); coding-DNA position 5844, one base deleted (T; older notation c.5844delT).
Protein change: p.Pro1949_Leu1950insTer.
Molecular consequence: frameshift variant.
Genome position (GRCh38, 1-based): chr15:44,583,836, A deleted on the plus strand (T on the coding strand, the reverse complement: SPG11 is on the minus strand); the first of 2 consecutive A bases (chr15:44,583,836-44,583,837); deleting either gives the same sequence. VCF-style (leftmost placement, unchanged base first): chr15-44583835-GA-G. GRCh37 (hg19) VCF-style: chr15-44876033-GA-G.
Other names: c.5844del, p.Pro1949_Leu1950insTer (NM_001160227.2); c.5844del (NM_025137.3).
Identifiers: ClinVar variation 534866 (VCV000534866.13), dbSNP rs1323156960, ClinGen allele CA618005968.

ClinVar aggregate classification (germline): Pathogenic/Likely pathogenic. Review status: criteria provided, multiple submitters, no conflicts (2 of 4 stars). 4 submissions from 4 submitters: Pathogenic (2); Likely pathogenic (2). Last evaluated 2026-01-21.

Conditions:
Inborn genetic diseases. Identifiers: MedGen C0950123, MeSH D030342.
Hereditary spastic paraplegia 11. Also called: Nakamura Osame syndrome; Autosomal recessive hereditary spastic paraplegia, mental impairment, and thin corpus callosum; Spastic paraplegia, mental retardation and thin corpus callosum; SPASTIC PARAPLEGIA, AUTOSOMAL RECESSIVE, COMPLICATED, WITH THIN CORPUS CALLOSUM; SPASTIC PARAPLEGIA, AUTOSOMAL RECESSIVE, WITH MENTAL IMPAIRMENT AND THIN CORPUS CALLOSUM; Spastic Paraplegia 11. Identifiers: Orphanet 2822, MedGen C1858479, MONDO:0011445, OMIM 604360.

Submissions (4):

Labcorp Genetics (formerly Invitae), Labcorp
Classification: Pathogenic for Hereditary spastic paraplegia 11. Last evaluated: 2026-01-21. Review status: criteria provided, single submitter. Criteria: Invitae Variant Classification Sherloc (09022015). Collection method: clinical testing. Allele origin: germline.
Comment: This sequence change creates a premature translational stop signal (p.Leu1950*) in the SPG11 gene. It is expected to result in an absent or disrupted protein product. Loss-of-function variants in SPG11 are known to be pathogenic (PMID: 19105190, 20110243, 22154821, 26556829). This variant is present in population databases (no rsID available, gnomAD 0.004%). This variant has not been reported in the literature in individuals affected with SPG11-related conditions. ClinVar contains an entry for this variant (Variation ID: 534866). For these reasons, this variant has been classified as Pathogenic.

Ambry Genetics
Classification: Pathogenic for Inborn genetic diseases. Last evaluated: 2022-01-11. Review status: criteria provided, single submitter. Criteria: Ambry Variant Classification Scheme 2023. Collection method: clinical testing. Allele origin: germline.
Comment: The c.5844delT pathogenic mutation, located in coding exon 30 of the SPG11 gene, results from a deletion of one nucleotide at nucleotide position 5844, causing a translational frameshift with a predicted alternate stop codon (p.L1950*). This variant is considered to be rare based on population cohorts in the Genome Aggregation Database (gnomAD). This alteration is expected to result in loss of function by premature protein truncation or nonsense-mediated mRNA decay. As such, this alteration is interpreted as a disease-causing mutation.

Athena Diagnostics
Classification: Likely pathogenic. Last evaluated: 2020-12-30. Review status: criteria provided, single submitter. Criteria: Athena Diagnostics criteria. Collection method: clinical testing. Allele origin: unknown.
Comment: This variant is expected to result in the loss of a functional protein. The frequency of this variant in the general population is consistent with pathogenicity.

Genome-Nilou Lab
Classification: Likely pathogenic for Hereditary spastic paraplegia 11. Review status: criteria provided, single submitter. Criteria: ACMG Guidelines, 2015. Collection method: clinical testing. Allele origin: germline.

Literature cited by the submitters: PubMed 19105190 (cited by Labcorp Genetics (formerly Invitae), Labcorp); PubMed 20110243 (cited by Labcorp Genetics (formerly Invitae), Labcorp); PubMed 22154821 (cited by Labcorp Genetics (formerly Invitae), Labcorp); PubMed 26556829 (cited by Labcorp Genetics (formerly Invitae), Labcorp).